The following is an entry in ClinVar:

ClinVar aggregate classification (germline): Likely benign. Review status: criteria provided, multiple submitters, no conflicts (2 of 4 stars). 5 submissions from 5 submitters: Likely benign (4). 1 of the submissions does not count toward it. Last evaluated 2025-12-19.

Conditions:
TBC1D24-related disorder. Also called: TBC1D24-related disorders; TBC1D24-related condition. Identifiers: MedGen CN381194.
Autosomal dominant nonsyndromic hearing loss 65. Also called: Deafness, autosomal dominant 65; TBC1D24-Related Autosomal Dominant Nonsyndromic Hearing Loss (DFNA). Identifiers: Orphanet 90635, MedGen C3892048, MONDO:0014470, OMIM 616044.
Developmental and epileptic encephalopathy, 1 (DEE1). Also called: X-linked infantile spasms; West's syndrome; Tonic spasms with clustering, arrest of psychomotor development and hypsarrhythmia on EEG; X-Linked Infantile Spasm Syndrome; OHTAHARA SYNDROME, X-LINKED; INFANTILE SPASM SYNDROME, X-LINKED 1. Identifiers: MedGen C3463992, MONDO:0010632, OMIM 308350. Disease mechanism: loss of function.

Allele frequency attached by ClinVar (database versions not stated): gnomAD exomes below 0.00001 and 0.00001; TOPMed 0.00002; gnomAD 0.00006.

Submissions (5):

Labcorp Genetics (formerly Invitae), Labcorp
Classification: Likely benign for Developmental and epileptic encephalopathy, 1; Autosomal dominant nonsyndromic hearing loss 65. Last evaluated: 2025-12-19. Review status: criteria provided, single submitter. Criteria: Invitae Variant Classification Sherloc (09022015). Collection method: clinical testing. Allele origin: germline.

Blueprint Genetics
Classification: Likely benign. Last evaluated: 2024-10-21. Review status: criteria provided, single submitter. Criteria: ACMG Guidelines, 2015. Collection method: clinical testing. Allele origin: germline.

GeneDx
Classification: Likely benign. Last evaluated: 2020-10-30. Review status: criteria provided, single submitter. Criteria: GeneDx Variant Classification Process June 2021. Collection method: clinical testing. Allele origin: germline. Affected: yes.

Laboratory for Molecular Medicine, Mass General Brigham Personalized Medicine
Classification: Likely benign. Last evaluated: 2017-09-12. Review status: criteria provided, single submitter. Criteria: LMM Criteria. Collection method: clinical testing. Allele origin: germline. Inheritance: Autosomal recessive inheritance. Observed: 1 variant allele.
Comment: p.Ile81Ile in the TBC1D24 gene: This variant is not expected to have clinical si gnificance because it does not alter an amino acid residue and is not located wi thin the splice consensus sequence. It has been identified in (3/126248) of Euro pean chromosomes by the Genome Aggregation Database (gnomAD; dbSNP rs745405784).

PreventionGenetics, part of Exact Sciences
Classification: Likely benign for TBC1D24-related condition. Last evaluated: 2020-12-15. Review status: no assertion criteria provided. Collection method: clinical testing. Allele origin: germline. Not counted in ClinVar's aggregate classification.
Comment: This variant is classified as likely benign based on ACMG/AMP sequence variant interpretation guidelines (Richards et al. 2015 PMID: 25741868, with internal and published modifications).

NM_001199107.2(TBC1D24):c.243C>T (p.Ile81=)

Gene: TBC1D24 (TBC1 domain family member 24; plus strand). Cytogenetic location: 16p13.3.
Variant type: single nucleotide variant.
Coding change: c.243C>T on transcript NM_001199107.2 (MANE Select); coding-DNA position 243, C replaced by T.
Protein change: p.Ile81=; no amino-acid change (isoleucine 81 retained).
Molecular consequence: synonymous variant.
Genome position (GRCh38, 1-based): chr16:2,496,391, C>T. VCF-style: chr16-2496391-C-T. GRCh37 (hg19) VCF-style: chr16-2546392-C-T.
Other names: c.243C>T, p.Ile81= (NM_020705.3).
Identifiers: ClinVar variation 378701 (VCV000378701.17), dbSNP rs745405784, ClinGen allele CA16608137.
Genomic context (GRCh38, chr16:2,496,391, plus strand): 5'-CATTCCCTGCCGCACGGTCACGCCTGACGCCAGCGTGTACAGCGACATCGTGGGCAAGAT[C>T]GTGGGCAAGCACAGCAGCAGCTGCCTGCCGCTGCCCGAGTTCGTGGACAACACGCAGGTG-3'
Protein context (NP_001186036.1, residues 71-91): ASVYSDIVGK[Ile81=]VGKHSSSCLP